The following is an entry in ClinVar:

NM_000540.3(RYR1):c.9157C>T (p.Arg3053Ter)

Gene: RYR1 (ryanodine receptor 1; plus strand). Cytogenetic location: 19q13.2.
Variant type: single nucleotide variant.
Coding change: c.9157C>T on transcript NM_000540.3 (MANE Select); coding-DNA position 9157, C replaced by T.
Protein change: p.Arg3053Ter; replaces arginine 3053 with a stop codon.
Molecular consequence: nonsense.
Genome position (GRCh38, 1-based): chr19:38,511,595, C>T. VCF-style: chr19-38511595-C-T. GRCh37 (hg19) VCF-style: chr19-39002235-C-T.
Other names: c.9157C>T, p.Arg3053Ter (NM_001042723.2); short protein forms R3053*.
Identifiers: ClinVar variation 852784 (VCV000852784.19), dbSNP rs1374378105, ClinGen allele CA405684517.

ClinVar aggregate classification (germline): Pathogenic/Likely pathogenic. Review status: criteria provided, multiple submitters, no conflicts (2 of 4 stars). 7 submissions from 7 submitters: Pathogenic (4); Likely pathogenic (2). 1 of the submissions does not count toward it. Last evaluated 2026-01-25.

Conditions:
RYR1-related disorder. Also called: RYR1-related disorders; RYR1-related condition. Identifiers: MedGen CN239331.
Congenital multicore myopathy with external ophthalmoplegia (CMYO1B). Also called: MULTICORE MYOPATHY; MULTIMINICORE DISEASE WITH EXTERNAL OPHTHALMOPLEGIA; Congenital myopathy 1B, autosomal recessive; Minicore myopathy; Minicore myopathy with external ophthalmoplegia. Identifiers: Orphanet 598, Orphanet 98905, MedGen C1850674, MONDO:0009712, OMIM 255320, HP:0003789.
RYR1-related myopathy. Identifiers: Orphanet 98742, MedGen CN305348, MONDO:0100150.
Malignant hyperthermia, susceptibility to, 1 (MHS1). Also called: Anesthesia related hyperthermia; Malignant hyperpyrexia; Fulminating hyperpyrexia; Pharmacogenic myopathy; RYR1-Related Malignant Hyperthermia Susceptibility; Malignant hyperthermia suceptibility 1. Identifiers: Orphanet 423, MedGen C2930980, MONDO:0007783, OMIM 145600.

Allele frequency attached by ClinVar (database versions not stated): gnomAD exomes below 0.00001 and 0.00001; gnomAD 0.00001; TOPMed 0.00002.
gnomAD v4.1: 11 of 1,613,944 alleles (0.00068%); highest among the groups gnomAD compares: Admixed American, 0.0083%; no homozygotes.

Submissions (7):

Labcorp Genetics (formerly Invitae), Labcorp
Classification: Pathogenic for RYR1-related disorder. Last evaluated: 2026-01-25. Review status: criteria provided, single submitter. Criteria: Invitae Variant Classification Sherloc (09022015). Collection method: clinical testing. Allele origin: germline.
Comment: This sequence change creates a premature translational stop signal (p.Arg3053*) in the RYR1 gene. It is expected to result in an absent or disrupted protein product. Loss-of-function variants in RYR1 are known to be pathogenic (PMID: 23919265, 25960145, 28818389, 30611313). This variant is present in population databases (no rsID available, gnomAD 0.003%). This premature translational stop signal has been observed in individual(s) with autosomal recessive congenital myopathy (PMID: 26841830). In at least one individual the data is consistent with being in trans (on the opposite chromosome) from a pathogenic variant. ClinVar contains an entry for this variant (Variation ID: 852784). For these reasons, this variant has been classified as Pathogenic.

Revvity Omics, Revvity
Classification: Pathogenic. Last evaluated: 2024-06-03. Review status: criteria provided, single submitter. Criteria: ACMG Guidelines, 2015. Collection method: clinical testing. Allele origin: germline.

Muscle and Diseases Team, Institut de Génétique et Biologie Moléculaire et Cellulaire
Classification: Likely pathogenic for RYR1-related myopathy. Last evaluated: 2024-03-01. Review status: criteria provided, single submitter. Criteria: ACMG Guidelines, 2015. Collection method: research. Allele origin: unknown. Affected: yes. Observed: 1 variant allele.
Comment: PVS1+PM2

GeneDx
Classification: Pathogenic. Last evaluated: 2023-03-27. Review status: criteria provided, single submitter. Criteria: GeneDx Variant Classification Process June 2021. Collection method: clinical testing. Allele origin: germline. Affected: yes.
Comment: Nonsense variant predicted to result in protein truncation or nonsense mediated decay in a gene for which loss of function is a known mechanism of disease; Not observed at significant frequency in large population cohorts (gnomAD); This variant is associated with the following publications: (PMID: 30611313, 33333461, 28269792, 32403337, 26841830)

Human Genome Sequencing Center Clinical Lab, Baylor College of Medicine
Classification: Pathogenic for Congenital myopathy 1B, autosomal recessive. Last evaluated: 2023-03-08. Review status: criteria provided, single submitter. Criteria: ACMG Guidelines, 2015. Collection method: clinical testing. Allele origin: unknown.
Comment: DM: LP for myopathy, VUS for MH

PreventionGenetics, part of Exact Sciences
Classification: Likely pathogenic for RYR1-related condition. Last evaluated: 2023-01-09. Review status: criteria provided, single submitter. Criteria: ACMG Guidelines, 2015. Collection method: clinical testing. Allele origin: germline.
Comment: The RYR1 c.9157C>T variant is predicted to result in premature protein termination (p.Arg3053*). This variant was reported in compound heterozygous state in individuals with autosomal recessive centronuclear myopathy and autosomal recessive dusty core disease (Garibaldi et al. 2019. PubMed ID: 30611313; Gonzalez-Quereda et al. 2020. PubMed ID: 32403337; Natera-de Benito et a.l 2020. PubMed ID: 33333461). This variant was also reported in heterozygous state in an individual with congenital myopathy (Oliveira et al. 2016. PubMed ID: 26841830). This variant is reported in 0.0029% of alleles in individuals of Latino descent in gnomAD. Nonsense variants in RYR1 are expected to be pathogenic. This variant is interpreted as likely pathogenic.

All of Us Research Program, National Institutes of Health
Classification: Uncertain significance for Malignant hyperthermia, susceptibility to, 1. Last evaluated: 2024-08-31. Review status: flagged submission. Criteria: ACMG Guidelines, 2015. Collection method: clinical testing. Allele origin: germline. Inheritance: Autosomal dominant inheritance. Observed: 5 variant alleles, 5 heterozygotes. Not counted in ClinVar's aggregate classification.
Comment: This variant changes 1 nucleotide in exon 61 of the RYR1 gene, creating a premature translation stop signal. This variant is expected to result in an absent or non-functional protein product. This variant has been identified in 1/251406 chromosomes in the general population by the Genome Aggregation Database (gnomAD). Loss of RYR1 function due to haploinsufficiency is not an established disease mechanism for autosomal dominant malignant hyperthermia, although it is associated with other phenotype(s) (ClinVar Variation ID: 852784). Due to insufficient evidence, this variant is classified as a Variant of Uncertain Significance for autosomal dominant malignant hyperthermia.

This study involves interpretation of variants in research participants for the purpose of population health screening. Participant phenotype was not available at the time of variant classification. Additional details can be found in publication PMID: 35346344, PMCID: PMC8962531
ClinVar note: Reason: Outlier claim with insufficient supporting evidence

Literature cited by the submitters: PubMed 23919265 (cited by Labcorp Genetics (formerly Invitae), Labcorp); PubMed 25960145 (cited by Labcorp Genetics (formerly Invitae), Labcorp); PubMed 28818389 (cited by Labcorp Genetics (formerly Invitae), Labcorp); PubMed 30611313 (cited by Labcorp Genetics (formerly Invitae), Labcorp); PubMed 26841830 (cited by Labcorp Genetics (formerly Invitae), Labcorp); DOI 10.1186/s13073-024-01353-0 (cited by Muscle and Diseases Team, Institut de Génétique et Biologie Moléculaire et Cellulaire).